The following is an entry in ClinVar:

NM_017763.6(RNF43):c.334C>T (p.Pro112Ser)

Gene: RNF43 (ring finger protein 43; minus strand). Cytogenetic location: 17q22.
Variant type: single nucleotide variant.
Coding change: c.334C>T on transcript NM_017763.6 (MANE Select); coding-DNA position 334, C replaced by T.
Protein change: p.Pro112Ser; replaces proline 112 with serine.
Molecular consequence: missense variant.
Genome position (GRCh38, 1-based): chr17:58,370,952, G>A on the plus strand (C>T on the coding strand, the complement: RNF43 is on the minus strand). VCF-style: chr17-58370952-G-A. GRCh37 (hg19) VCF-style: chr17-56448313-G-A.
Other names: c.334C>T, p.Pro112Ser (NM_001305544.3); c.-48C>T (NM_001305545.2); c.334C>T (NM_017763.4); short protein forms P112S.
Identifiers: ClinVar variation 2819983 (VCV002819983.4), dbSNP rs2143514724, ClinGen allele CA400343442.
Genomic context (GRCh38, chr17:58,370,952, plus strand): 5'-GGGCGAAGTGTGAGTCTACCTTGCTAGCCAGTGACAGGCAGGGGCGGGGGGCCCGTCGAG[G>A]ACTCTCCAGCTTGACGATGCTGATGAATCCAGGCTCCAGATTGTCGTCATCACTGGCATT-3'
Protein context (NP_060233.3, residues 102-122): GFISIVKLES[Pro112Ser]RRAPRPCLSL

ClinVar aggregate classification (germline): Uncertain significance. Review status: criteria provided, multiple submitters, no conflicts (2 of 4 stars). 2 submissions from 2 submitters: Uncertain significance (2). Last evaluated 2025-09-19.

Submissions (2):

Ambry Genetics
Classification: Uncertain significance. Last evaluated: 2025-09-19. Review status: criteria provided, single submitter. Criteria: Ambry Variant Classification Scheme 2023. Collection method: clinical testing. Allele origin: germline.
Comment: The p.P112S variant (also known as c.334C>T), located in coding exon 2 of the RNF43 gene, results from a C to T substitution at nucleotide position 334. The proline at codon 112 is replaced by serine, an amino acid with similar properties. This amino acid position is conserved. In addition, this alteration is predicted to be tolerated by in silico analysis. Based on the available evidence, the clinical significance of this variant remains unclear.

Labcorp Genetics (formerly Invitae), Labcorp
Classification: Uncertain significance. Last evaluated: 2022-12-12. Review status: criteria provided, single submitter. Criteria: Invitae Variant Classification Sherloc (09022015). Collection method: clinical testing. Allele origin: germline.
Comment: In summary, the available evidence is currently insufficient to determine the role of this variant in disease. Therefore, it has been classified as a Variant of Uncertain Significance. Algorithms developed to predict the effect of missense changes on protein structure and function (SIFT, PolyPhen-2, Align-GVGD) all suggest that this variant is likely to be tolerated. This variant has not been reported in the literature in individuals affected with RNF43-related conditions. This variant is not present in population databases (gnomAD no frequency). This sequence change replaces proline, which is neutral and non-polar, with serine, which is neutral and polar, at codon 112 of the RNF43 protein (p.Pro112Ser).